The following is an entry in ClinVar:

ClinVar aggregate classification (germline): Pathogenic (1 of 4 stars; one submission).

Submission:

Labcorp Genetics (formerly Invitae), Labcorp
Classification: Pathogenic. Last evaluated: 2022-07-12. Review status: criteria provided, single submitter. Criteria: Invitae Variant Classification Sherloc (09022015). Collection method: clinical testing. Allele origin: germline.
Comment: A gross deletion of the genomic region encompassing the full coding sequence of the PDE6B gene has been identified. Loss-of-function variants in PDE6B are known to be pathogenic (PMID: 8394174, 8595886, 22334370). The boundaries of this event are unknown as they extend beyond the assayed region for this gene and therefore may encompass additional genes. A similar copy number variant has been observed in individual(s) with autosomal recessive PDE6B-related conditions (PMID: 29074561). For these reasons, this variant has been classified as Pathogenic.

Literature cited by the submitters: PubMed 8394174; PubMed 8595886; PubMed 22334370; PubMed 29074561.

NC_000004.11:g.(?_493125)_(2065854_?)del

Genes: CTBP1 (C-terminal binding protein 1; minus strand), ATP5ME (ATP synthase membrane subunit e; minus strand), CPLX1 (complexin 1; minus strand), CRIPAK (cysteine rich PAK1 inhibitor; plus strand), DGKQ (diacylglycerol kinase theta; minus strand) and 26 more. Cytogenetic location: 4p16.3.
Variant type: Deletion.
Identifiers: ClinVar variation 1459277 (VCV001459277.4).